The following is an entry in ClinVar:

ClinVar aggregate classification (germline): Uncertain significance (1 of 4 stars; one submission).

Conditions:
Inborn genetic diseases. Identifiers: MedGen C0950123, MeSH D030342.

Submission:

Ambry Genetics
Classification: Uncertain significance for Inborn genetic diseases. Last evaluated: 2025-07-20. Review status: criteria provided, single submitter. Criteria: Ambry Variant Classification Scheme 2023. Collection method: clinical testing. Allele origin: germline.
Comment: The p.V1105M variant (also known as c.3313G>A), located in coding exon 15 of the MECOM gene, results from a G to A substitution at nucleotide position 3313. The valine at codon 1105 is replaced by methionine, an amino acid with highly similar properties. This amino acid position is conserved. In addition, this alteration is predicted to be tolerated by in silico analysis. Based on the available evidence, the clinical significance of this variant remains unclear.

NM_004991.4(MECOM):c.3313G>A (p.Val1105Met)

Gene: MECOM (MDS1 and EVI1 complex locus; minus strand). Cytogenetic location: 3q26.2.
Variant type: single nucleotide variant.
Coding change: c.3313G>A on transcript NM_004991.4 (MANE Select); coding-DNA position 3313, G replaced by A.
Protein change: p.Val1105Met; replaces valine 1105 with methionine.
Molecular consequence: missense variant.
Genome position (GRCh38, 1-based): chr3:169,090,088, C>T on the plus strand (G>A on the coding strand, the complement: MECOM is on the minus strand). VCF-style: chr3-169090088-C-T. GRCh37 (hg19) VCF-style: chr3-168807876-C-T.
Other names: c.2749G>A, p.Val917Met (NM_001366469.2, NM_005241.4, NM_001105078.4 and 1 more transcripts); c.2725G>A, p.Val909Met (NM_001366470.2, NM_001163999.2); c.2722G>A, p.Val908Met (NM_001366471.2, NM_001366472.2, NM_001164000.2); c.2314G>A, p.Val772Met (NM_001366473.2); c.1750G>A, p.Val584Met (NM_001366474.2); c.2944G>A, p.Val982Met (NM_001105077.4); c.3286G>A, p.Val1096Met (NM_001366466.2); c.2752G>A, p.Val918Met (NM_001366467.2, NM_001366468.2); short protein forms V772M, V909M, V908M, V1096M, V584M, V917M, V982M, V1105M.
Identifiers: ClinVar variation 4105784 (VCV004105784.1).
Genomic context (GRCh38, chr3:169,090,088, plus strand): 5'-CCAGGGCACTGGTTTCTTCATAGTCATCCTCAGGGTTTCCTTCATGTAAATTACTTGTCA[C>T]TGGTTCCTTTCCTGTTTTTCCAGTAATATCATTGTCTTCATCCTCCTCATCTAACAACAC-3'
Protein context (NP_004982.2, residues 1095-1115): DITGKTGKEP[Val1105Met]TSNLHEGNPE